The following is an entry in ClinVar:

NM_021813.4(BACH2):c.254G>A (p.Arg85Lys)

Gene: BACH2 (BACH transcriptional regulator 2; minus strand). Cytogenetic location: 6q15.
Variant type: single nucleotide variant.
Coding change: c.254G>A on transcript NM_021813.4 (MANE Select); coding-DNA position 254, G replaced by A.
Protein change: p.Arg85Lys; replaces arginine 85 with lysine.
Molecular consequence: missense variant.
Genome position (GRCh38, 1-based): chr6:89,951,852, C>T on the plus strand (G>A on the coding strand, the complement: BACH2 is on the minus strand). VCF-style: chr6-89951852-C-T. GRCh37 (hg19) VCF-style: chr6-90661571-C-T.
Other names: c.254G>A, p.Arg85Lys (NM_001170794.2); c.254G>A (NM_021813.2); short protein forms R85K.
Identifiers: ClinVar variation 2042928 (VCV002042928.5), dbSNP rs775887547, ClinGen allele CA3928195.

ClinVar aggregate classification (germline): Uncertain significance. Review status: criteria provided, multiple submitters, no conflicts (2 of 4 stars). 2 submissions from 2 submitters: Uncertain significance (2). Last evaluated 2024-09-02.

Allele frequency attached by ClinVar (database versions not stated): gnomAD exomes below 0.00001; TOPMed 0.00002.
gnomAD v4.1: 5 of 1,609,942 alleles (0.00031%); highest among the groups gnomAD compares: African/African-American, 0.0067%; no homozygotes.

Submissions (2):

Ambry Genetics
Classification: Uncertain significance. Last evaluated: 2024-09-02. Review status: criteria provided, single submitter. Criteria: Ambry Variant Classification Scheme 2023. Collection method: clinical testing. Allele origin: germline.

Labcorp Genetics (formerly Invitae), Labcorp
Classification: Uncertain significance. Last evaluated: 2022-03-18. Review status: criteria provided, single submitter. Criteria: Invitae Variant Classification Sherloc (09022015). Collection method: clinical testing. Allele origin: germline.
Comment: Algorithms developed to predict the effect of missense changes on protein structure and function are either unavailable or do not agree on the potential impact of this missense change (SIFT: "Deleterious"; PolyPhen-2: "Possibly Damaging"; Align-GVGD: "Class C0"). This sequence change replaces arginine, which is basic and polar, with lysine, which is basic and polar, at codon 85 of the BACH2 protein (p.Arg85Lys). This variant is present in population databases (rs775887547, gnomAD 0.01%). This variant has not been reported in the literature in individuals affected with BACH2-related conditions. In summary, the available evidence is currently insufficient to determine the role of this variant in disease. Therefore, it has been classified as a Variant of Uncertain Significance.